The following is an entry in ClinVar:

ClinVar aggregate classification (germline): Benign. Review status: criteria provided, multiple submitters, no conflicts (2 of 4 stars). 5 submissions from 4 submitters: Benign (5). Last evaluated 2026-04-14.

Conditions:
Benign recurrent intrahepatic cholestasis type 2 (BRIC2). Also called: Recurrent familial intrahepatic cholestasis 2. Identifiers: Orphanet 65682, Orphanet 99961, MedGen C2608083, MONDO:0011559, OMIM 605479.
Familial intrahepatic cholestasis. Identifiers: Orphanet 284385, MedGen CN296401, MONDO:0017290.
Progressive familial intrahepatic cholestasis type 2. Identifiers: Orphanet 79304, MedGen C3489789, MONDO:0011156, OMIM 601847.

Allele frequency attached by ClinVar (database versions not stated): ESP Exome Variant Server 0.45478; TOPMed 0.45816; 1000 Genomes Project 30x 0.48688; 1000 Genomes Project 0.49740.
gnomAD v4.1: 861,605 of 1,605,114 alleles (54%); highest among the groups gnomAD compares: South Asian, 66%; 235,595 homozygotes.

Submissions (5):

Genomenon, Inc
Classification: Benign for Familial intrahepatic cholestasis. Last evaluated: 2026-04-14. Review status: criteria provided, single submitter. Criteria: Genomenon Sequence Variant Interpretation Standards - Updated. Collection method: curation. Allele origin: germline. Affected: no.
Comment: ABCB11 c.3766-34A>G is an intronic variant located in intron 27. This variant is present at high allele frequency in population databases. In conclusion, we classify ABCB11 c.3766-34A>G as a benign variant.

Genome-Nilou Lab
Classification: Benign for Benign recurrent intrahepatic cholestasis type 2. Last evaluated: 2021-07-10. Review status: criteria provided, single submitter. Criteria: ACMG Guidelines, 2015. Collection method: clinical testing. Allele origin: germline. Affected: no.

Genome-Nilou Lab
Classification: Benign for Progressive familial intrahepatic cholestasis type 2. Last evaluated: 2021-07-10. Review status: criteria provided, single submitter. Criteria: ACMG Guidelines, 2015. Collection method: clinical testing. Allele origin: germline. Affected: no.

GeneDx
Classification: Benign. Last evaluated: 2018-06-29. Review status: criteria provided, single submitter. Criteria: GeneDx Variant Classification Process June 2021. Collection method: clinical testing. Allele origin: germline. Affected: yes.

Breakthrough Genomics
Classification: Benign. Review status: criteria provided, single submitter. Criteria: ACMG Guidelines, 2015. Collection method: not provided. Allele origin: germline. Inheritance: Autosomal recessive inheritance. Affected: yes.

NM_003742.4(ABCB11):c.3766-34A>G

Gene: ABCB11 (ATP binding cassette subfamily B member 11; minus strand). Cytogenetic location: 2q31.1.
Variant type: single nucleotide variant.
Coding change: c.3766-34A>G on transcript NM_003742.4 (MANE Select); 34 bases into the intron before coding-DNA position 3766, A replaced by G.
Molecular consequence: intron variant.
Genome position (GRCh38, 1-based): chr2:168,923,856, T>C on the plus strand (A>G on the coding strand, the complement: ABCB11 is on the minus strand). VCF-style: chr2-168923856-T-C. GRCh37 (hg19) VCF-style: chr2-169780366-T-C.
Identifiers: ClinVar variation 1184712 (VCV001184712.7), dbSNP rs579275, ClinGen allele CA1950937.